The following is an entry in ClinVar:

ClinVar aggregate classification (germline): Uncertain significance (1 of 4 stars; one submission).

Conditions:
Pyogenic arthritis-pyoderma gangrenosum-acne syndrome (PAPA). Also called: FAMILIAL RECURRENT ARTHRITIS; PAPA SYNDROME. Identifiers: Orphanet 69126, MedGen C1858361, MONDO:0011462, OMIM 604416.

Allele frequency attached by ClinVar (database versions not stated): gnomAD exomes 0.00001; TOPMed 0.00002.
gnomAD v4.1: 10 of 1,612,140 alleles (0.00062%); highest among the groups gnomAD compares: Admixed American, 0.0033%; no homozygotes.

Submission:

Labcorp Genetics (formerly Invitae), Labcorp
Classification: Uncertain significance for Pyogenic arthritis-pyoderma gangrenosum-acne syndrome. Last evaluated: 2021-07-17. Review status: criteria provided, single submitter. Criteria: Invitae Variant Classification Sherloc (09022015). Collection method: clinical testing. Allele origin: germline.
Comment: This sequence change replaces aspartic acid with asparagine at codon 376 of the PSTPIP1 protein (p.Asp376Asn). The aspartic acid residue is moderately conserved and there is a small physicochemical difference between aspartic acid and asparagine. This variant is not present in population databases (ExAC no frequency). This variant has not been reported in the literature in individuals affected with PSTPIP1-related conditions. Algorithms developed to predict the effect of missense changes on protein structure and function are either unavailable or do not agree on the potential impact of this missense change (SIFT: "Deleterious"; PolyPhen-2: "Probably Damaging"; Align-GVGD: "Class C0"). In summary, the available evidence is currently insufficient to determine the role of this variant in disease. Therefore, it has been classified as a Variant of Uncertain Significance.

NM_003978.5(PSTPIP1):c.1126G>A (p.Asp376Asn)

Gene: PSTPIP1 (proline-serine-threonine phosphatase interacting protein 1; plus strand). Cytogenetic location: 15q24.3.
Variant type: single nucleotide variant.
Coding change: c.1126G>A on transcript NM_003978.5 (MANE Select); coding-DNA position 1126, G replaced by A.
Protein change: p.Asp376Asn; replaces aspartic acid 376 with asparagine.
Molecular consequence: missense variant. On other transcripts: non-coding transcript variant (1).
Genome position (GRCh38, 1-based): chr15:77,037,051, G>A. VCF-style: chr15-77037051-G-A. GRCh37 (hg19) VCF-style: chr15-77329392-G-A.
Other names: c.1069G>A, p.Asp357Asn (NM_001321135.2); c.1099G>A, p.Asp367Asn (NM_001321136.2); c.1321G>A, p.Asp441Asn (NM_001321137.1); short protein forms D376N, D367N, D357N, D441N.
Identifiers: ClinVar variation 1468809 (VCV001468809.8), dbSNP rs984709043, ClinGen allele CA273766111.